The following is an entry in ClinVar:

ClinVar aggregate classification (germline): Uncertain significance (1 of 4 stars; one submission).

Conditions:
Hereditary cancer-predisposing syndrome. Also called: Hereditary neoplastic syndrome; Tumor predisposition; Hereditary Cancer Syndrome; Neoplastic Syndromes, Hereditary. Identifiers: Orphanet 140162, MedGen C0027672, MeSH D009386, MONDO:0015356.

Submission:

Ambry Genetics
Classification: Uncertain significance for Hereditary cancer-predisposing syndrome. Last evaluated: 2023-09-04. Review status: criteria provided, single submitter. Criteria: Ambry Variant Classification Scheme 2023. Collection method: clinical testing. Allele origin: germline.
Comment: The p.V377L variant (also known as c.1129G>C), located in coding exon 7 of the DICER1 gene, results from a G to C substitution at nucleotide position 1129. The valine at codon 377 is replaced by leucine, an amino acid with highly similar properties. This amino acid position is conserved. In addition, the in silico prediction for this alteration is inconclusive. Since supporting evidence is limited at this time, the clinical significance of this alteration remains unclear.

NM_177438.3(DICER1):c.1129G>C (p.Val377Leu)

Gene: DICER1 (dicer 1, ribonuclease III; minus strand). Cytogenetic location: 14q32.13.
Variant type: single nucleotide variant.
Coding change: c.1129G>C on transcript NM_177438.3 (MANE Select); coding-DNA position 1129, G replaced by C.
Protein change: p.Val377Leu; replaces valine 377 with leucine.
Molecular consequence: missense variant. On other transcripts: 5 prime UTR variant (1), non-coding transcript variant (6).
Genome position (GRCh38, 1-based): chr14:95,124,443, C>G on the plus strand (G>C on the coding strand, the complement: DICER1 is on the minus strand). VCF-style: chr14-95124443-C-G. GRCh37 (hg19) VCF-style: chr14-95590780-C-G.
Other names: c.1129G>C, p.Val377Leu (NM_001195573.1, NM_001271282.3, NM_001291628.2 and 15 more transcripts); c.847G>C, p.Val283Leu (NM_001395686.1); c.724G>C, p.Val242Leu (NM_001395687.1, NM_001395688.1, NM_001395689.1 and 3 more transcripts); c.562G>C, p.Val188Leu (NM_001395691.1); c.-440G>C (NM_001395697.1); short protein forms V188L, V377L, V242L, V283L.
Identifiers: ClinVar variation 2586433 (VCV002586433.2), dbSNP rs1893220138, ClinGen allele CA390886899.